The following is an entry in ClinVar:

ClinVar aggregate classification (germline): Likely benign. Review status: criteria provided, single submitter (1 of 4 stars). 2 submissions from 2 submitters: Likely benign (1). 1 of the submissions does not count toward it. Last evaluated 2024-12-12.

Conditions:
Hyperammonemic encephalopathy due to carbonic anhydrase VA deficiency. Also called: Carbonic Anhydrase VA Deficiency; Carbonic anhydrase VA deficiency, hyperammonemia due to. Identifiers: Orphanet 401948, MedGen C4706871, MONDO:0014332, OMIM 615751.
CA5A-related disorder. Also called: CA5A-related condition.

Allele frequency attached by ClinVar (database versions not stated): gnomAD exomes 0.00002 and 0.00003; ExAC 0.00005; gnomAD 0.00005 and 0.00007; TOPMed 0.00005; ESP Exome Variant Server 0.00015; 1000 Genomes Project 30x 0.00016; 1000 Genomes Project 0.00020.
gnomAD v4.1: 45 of 1,608,698 alleles (0.0028%); highest among the groups gnomAD compares: South Asian, 0.0055%; no homozygotes.

Submissions (2):

Labcorp Genetics (formerly Invitae), Labcorp
Classification: Likely benign for Hyperammonemic encephalopathy due to carbonic anhydrase VA deficiency. Last evaluated: 2024-12-12. Review status: criteria provided, single submitter. Criteria: Invitae Variant Classification Sherloc (09022015). Collection method: clinical testing. Allele origin: germline.

PreventionGenetics, part of Exact Sciences
Classification: Likely benign for CA5A-related condition. Last evaluated: 2019-04-09. Review status: no assertion criteria provided. Collection method: clinical testing. Allele origin: germline. Not counted in ClinVar's aggregate classification.
Comment: This variant is classified as likely benign based on ACMG/AMP sequence variant interpretation guidelines (Richards et al. 2015 PMID: 25741868, with internal and published modifications).

NM_001739.2(CA5A):c.438C>T (p.Asp146=)

Gene: CA5A (carbonic anhydrase 5A; minus strand). Cytogenetic location: 16q24.2.
Variant type: single nucleotide variant.
Coding change: c.438C>T on transcript NM_001739.2 (MANE Select); coding-DNA position 438, C replaced by T.
Protein change: p.Asp146=; no amino-acid change (aspartic acid 146 retained).
Molecular consequence: synonymous variant. On other transcripts: non-coding transcript variant (1).
Genome position (GRCh38, 1-based): chr16:87,904,807, G>A on the plus strand (C>T on the coding strand, the complement: CA5A is on the minus strand). VCF-style: chr16-87904807-G-A. GRCh37 (hg19) VCF-style: chr16-87938413-G-A.
Other names: c.438C>T, p.Asp146= (NM_001367225.1); c.438C>T (NM_001739.1).
Identifiers: ClinVar variation 1591607 (VCV001591607.11), dbSNP rs143279008, ClinGen allele CA8223494.
Genomic context (GRCh38, chr16:87,904,807, plus strand): 5'-AAGTGTGCAGATATGTGCTGTTAGGCCACGTCTACAAACCTCTGCGGGGTACGCGTGGCC[G>A]TCCACTGTGTGCTCTGAGCCCCCCTCGTTCACTGCTCCCCAGTGGAAGTGAAATTGCTTC-3'
Protein context (NP_001730.1, residues 136-156): VNEGGSEHTV[Asp146=]GHAYPAELHL